The following is an entry in ClinVar:

NM_006662.3(SRCAP):c.7864C>A (p.Gln2622Lys)

Gene: SRCAP (Snf2 related CREBBP activator protein; plus strand). Cytogenetic location: 16p11.2.
Variant type: single nucleotide variant.
Coding change: c.7864C>A on transcript NM_006662.3 (MANE Select); coding-DNA position 7864, C replaced by A.
Protein change: p.Gln2622Lys; replaces glutamine 2622 with lysine.
Molecular consequence: missense variant.
Genome position (GRCh38, 1-based): chr16:30,737,904, C>A. VCF-style: chr16-30737904-C-A. GRCh37 (hg19) VCF-style: chr16-30749225-C-A.
Other names: short protein forms Q2622K.
Identifiers: ClinVar variation 2135246 (VCV002135246.4), dbSNP rs2151300418, ClinGen allele CA395634878.
Genomic context (GRCh38, chr16:30,737,904, plus strand): 5'-CTCACCCCTTCTGCACCCAGCCTGACCTTGGAGGCTGGCAGCATCCCCAATGGTCAAGAG[C>A]AGGAGGCACCAGATTCTGCTGAGGGGACCACCCTTACAGTGCTGCCTGAAGGTGAGGAGT-3'
Protein context (NP_006653.2, residues 2612-2632): EAGSIPNGQE[Gln2622Lys]EAPDSAEGTT

ClinVar aggregate classification (germline): Uncertain significance (1 of 4 stars; one submission).

Submission:

Labcorp Genetics (formerly Invitae), Labcorp
Classification: Uncertain significance. Last evaluated: 2022-05-07. Review status: criteria provided, single submitter. Criteria: Invitae Variant Classification Sherloc (09022015). Collection method: clinical testing. Allele origin: germline.
Comment: In summary, the available evidence is currently insufficient to determine the role of this variant in disease. Therefore, it has been classified as a Variant of Uncertain Significance. Algorithms developed to predict the effect of missense changes on protein structure and function are either unavailable or do not agree on the potential impact of this missense change (SIFT: "Tolerated"; PolyPhen-2: "Not Available"; Align-GVGD: "Class C0"). This variant has not been reported in the literature in individuals affected with SRCAP-related conditions. This variant is not present in population databases (gnomAD no frequency). This sequence change replaces glutamine, which is neutral and polar, with lysine, which is basic and polar, at codon 2622 of the SRCAP protein (p.Gln2622Lys).